The following is an entry in ClinVar:

ClinVar aggregate classification (germline): Likely pathogenic (1 of 4 stars; one submission).

Conditions:
CDKL5 disorder. Identifiers: MedGen CN296942, MONDO:0100039.

Submission:

Centre for Population Genomics, CPG
Classification: Likely pathogenic for CDKL5 disorder. Last evaluated: 2025-01-13. Review status: criteria provided, single submitter. Criteria: McKnight et al. (Hum Mutat. 2022). Collection method: curation. Allele origin: germline. Inheritance: X-linked inheritance.
Comment: Based on the classification scheme defined by the ClinGen Rett/Angelman-like Expert Panel for Rett/AS-like Disorders Specifications to the ACMG/AMP Variant Interpretation Guidelines VCEP 3.0, this variant is classified as likely pathogenic. At least the following criteria are met:Predicted to result in loss of function, and LOF is a known mechanism of disease (PVS1).This variant is absent from gnomAD (PM2_Supporting).

NM_001323289.2(CDKL5):c.1851del (p.Asp618fs)

Gene: CDKL5 (cyclin dependent kinase like 5; plus strand). Cytogenetic location: Xp22.13.
Variant type: Deletion.
Coding change: c.1851del on transcript NM_001323289.2 (MANE Select); coding-DNA position 1851, one base deleted (T; older notation c.1851delT).
Protein change: p.Asp618fs; shifts the reading frame from aspartic acid 618.
Molecular consequence: frameshift variant.
Genome position (GRCh38, 1-based): chrX:18,604,775, T deleted. VCF-style (leftmost placement, unchanged base first): chrX-18604774-GT-G. GRCh37 (hg19) VCF-style: chrX-18622894-GT-G.
Other names: NM_003159.3:c.1851del; c.1851del, p.Asp618fs (NM_001037343.2, NM_003159.3); short protein forms D618fs.
Identifiers: ClinVar variation 3602055 (VCV003602055.1).
Genomic context (GRCh38, chrX:18,604,774, plus strand): 5'-GCTACACCAGCCCCTTTTCTTCCCAGCAACGTCCTCATAGGCATTCTATGTATGTGACCC[GT>G]GACAAAGTGAGAGCCAAGGGCTTGGATGGAAGCTTGAGCATAGGGCAAGGGATGGCAGCT-3'